The following is an entry in ClinVar:

NM_022089.4(ATP13A2):c.2208C>G (p.Ile736Met)

Gene: ATP13A2 (ATPase cation transporting 13A2; minus strand). Cytogenetic location: 1p36.13.
Variant type: single nucleotide variant.
Coding change: c.2208C>G on transcript NM_022089.4 (MANE Select); coding-DNA position 2208, C replaced by G.
Protein change: p.Ile736Met; replaces isoleucine 736 with methionine.
Molecular consequence: missense variant.
Genome position (GRCh38, 1-based): chr1:16,991,777, G>C on the plus strand (C>G on the coding strand, the complement: ATP13A2 is on the minus strand). VCF-style: chr1-16991777-G-C. GRCh37 (hg19) VCF-style: chr1-17318272-G-C.
Other names: c.2193C>G, p.Ile731Met (NM_001141973.3, NM_001141974.3); short protein forms I731M, I736M.
Identifiers: ClinVar variation 1378111 (VCV001378111.8), dbSNP rs1372021672, ClinGen allele CA338243267.
Genomic context (GRCh38, chr1:16,991,777, plus strand): 5'-CCTACATGCCATTGTACCTGTCACCATGACGGCGCGGATGCGGGTCCTTCGCAGAGCCTG[G>C]ATAACTGGCGTTGTCTGCGGCTTCAGTAGGTTCCTCATGACCAGCAGCCCCAGGAGGCTC-3'
Protein context (NP_071372.1, residues 726-746): NLLKPQTTPV[Ile736Met]QALRRTRIRA

ClinVar aggregate classification (germline): Uncertain significance (1 of 4 stars; one submission).

Conditions:
Autosomal recessive spastic paraplegia type 78. Identifiers: Orphanet 513436, MedGen C5567893, MONDO:0014975, OMIM 617225.
Kufor-Rakeb syndrome (KRS). Also called: PARKINSON DISEASE 9, AUTOSOMAL RECESSIVE, JUVENILE-ONSET. Identifiers: Orphanet 306674, Orphanet 314632, MedGen C1847640, MONDO:0011706, OMIM 606693.

Allele frequency attached by ClinVar (database versions not stated): gnomAD exomes below 0.00001.
gnomAD v4.1: 1 of 1,614,188 alleles (0.000062%); highest among the groups gnomAD compares: Admixed American, 0.0017%; no homozygotes.

Submission:

Labcorp Genetics (formerly Invitae), Labcorp
Classification: Uncertain significance for Kufor-Rakeb syndrome; Autosomal recessive spastic paraplegia type 78. Last evaluated: 2021-03-25. Review status: criteria provided, single submitter. Criteria: Invitae Variant Classification Sherloc (09022015). Collection method: clinical testing. Allele origin: germline.
Comment: In summary, the available evidence is currently insufficient to determine the role of this variant in disease. Therefore, it has been classified as a Variant of Uncertain Significance. Algorithms developed to predict the effect of missense changes on protein structure and function are either unavailable or do not agree on the potential impact of this missense change (SIFT: "Deleterious"; PolyPhen-2: "Probably Damaging"; Align-GVGD: "Class C0"). This variant has not been reported in the literature in individuals with ATP13A2-related conditions. This variant is not present in population databases (ExAC no frequency). This sequence change replaces isoleucine with methionine at codon 736 of the ATP13A2 protein (p.Ile736Met). The isoleucine residue is highly conserved and there is a small physicochemical difference between isoleucine and methionine.